The following is an entry in ClinVar:

NM_152672.6(SLC51A):c.92C>T (p.Ala31Val)

Gene: SLC51A (solute carrier family 51 member A; plus strand). Cytogenetic location: 3q29.
Variant type: single nucleotide variant.
Coding change: c.92C>T on transcript NM_152672.6 (MANE Select); coding-DNA position 92, C replaced by T.
Protein change: p.Ala31Val; replaces alanine 31 with valine.
Molecular consequence: missense variant.
Genome position (GRCh38, 1-based): chr3:196,217,895, C>T. VCF-style: chr3-196217895-C-T. GRCh37 (hg19) VCF-style: chr3-195944766-C-T.
Other names: short protein forms A31V.
Identifiers: ClinVar variation 4981812 (VCV004981812.1).

ClinVar aggregate classification (germline): Uncertain significance (1 of 4 stars; one submission).

Conditions:
SLC51A-related disorder. Also called: SLC51A-related condition.

gnomAD v4.1: 45 of 1,613,514 alleles (0.0028%); highest among the groups gnomAD compares: Admixed American, 0.067%; no homozygotes.

Submission:

PreventionGenetics, part of Exact Sciences
Classification: Uncertain significance for SLC51A-related condition. Last evaluated: 2026-06-16. Review status: criteria provided, single submitter. Criteria: ACMG Guidelines, 2015. Collection method: clinical testing. Allele origin: germline.
Comment: The SLC51A c.92C>T variant is predicted to result in the amino acid substitution p.Ala31Val. To our knowledge, this variant has not been reported in the literature. This variant is reported in 0.10% of alleles in individuals of Latino descent in gnomAD, which is likely too common for an undocumented disease-causing variant. Although we suspect that this variant may be benign, at this time, the clinical significance of this variant is uncertain due to the absence of conclusive functional and genetic evidence.